The following is an entry in ClinVar:

ClinVar aggregate classification (germline): Benign. Review status: criteria provided, multiple submitters, no conflicts (2 of 4 stars). 3 submissions from 3 submitters: Benign (3). Last evaluated 2021-07-14.

Conditions:
Congenital myasthenic syndrome 8. Also called: MYASTHENIC SYNDROME, CONGENITAL, DUE TO AGRIN DEFICIENCY; Myasthenic syndrome, congenital, 8, with pre- and postsynaptic defects. Identifiers: Orphanet 590, MedGen C3808739, MONDO:0014052, OMIM 615120.

Allele frequency attached by ClinVar (database versions not stated): 1000 Genomes Project 30x 0.76686; 1000 Genomes Project 0.77536; TOPMed 0.73419.
gnomAD v4.1: 1,293,855 of 1,524,770 alleles (85%); highest among the groups gnomAD compares: East Asian, 100%; 556,877 homozygotes.

Submissions (3):

Genome-Nilou Lab
Classification: Benign for Congenital myasthenic syndrome 8. Last evaluated: 2021-07-14. Review status: criteria provided, single submitter. Criteria: ACMG Guidelines, 2015. Collection method: clinical testing. Allele origin: germline. Affected: no.

GeneDx
Classification: Benign. Last evaluated: 2018-06-16. Review status: criteria provided, single submitter. Criteria: GeneDx Variant Classification (06012015). Collection method: clinical testing. Allele origin: germline. Affected: yes.
Comment: This variant is considered likely benign or benign based on one or more of the following criteria: it is a conservative change, it occurs at a poorly conserved position in the protein, it is predicted to be benign by multiple in silico algorithms, and/or has population frequency not consistent with disease.

Breakthrough Genomics
Classification: Benign. Review status: criteria provided, single submitter. Criteria: ACMG Guidelines, 2015. Collection method: not provided. Allele origin: germline. Inheritance: Autosomal recessive inheritance. Affected: yes.

NM_198576.4(AGRN):c.5652-201G>C

Gene: AGRN (agrin; plus strand). Cytogenetic location: 1p36.33.
Variant type: single nucleotide variant.
Coding change: c.5652-201G>C on transcript NM_198576.4 (MANE Select); 201 bases into the intron before coding-DNA position 5652, G replaced by C.
Molecular consequence: intron variant.
Genome position (GRCh38, 1-based): chr1:1,053,552, G>C. VCF-style: chr1-1053552-G-C. GRCh37 (hg19) VCF-style: chr1-988932-G-C.
Other names: c.5720+59G>C (NM_001305275.2); c.5349-201G>C (NM_001364727.2).
Identifiers: ClinVar variation 677955 (VCV000677955.5), dbSNP rs2710871, ClinGen allele CA10829583.